The following is an entry in ClinVar:

ClinVar aggregate classification (germline): Uncertain significance (1 of 4 stars; one submission).

Conditions:
Inborn genetic diseases. Identifiers: MedGen C0950123, MeSH D030342.

Submission:

Ambry Genetics
Classification: Uncertain significance for Inborn genetic diseases. Last evaluated: 2025-01-14. Review status: criteria provided, single submitter. Criteria: Ambry Variant Classification Scheme 2023. Collection method: clinical testing. Allele origin: germline.
Comment: The p.P41S variant (also known as c.121C>T), located in coding exon 1 of the KDM1A gene, results from a C to T substitution at nucleotide position 121. The proline at codon 41 is replaced by serine, an amino acid with similar properties. This amino acid position is conserved. In addition, this alteration is predicted to be tolerated by in silico analysis. Based on the available evidence, the clinical significance of this variant remains unclear.

NM_001009999.3(KDM1A):c.121C>T (p.Pro41Ser)

Gene: KDM1A (lysine demethylase 1A; plus strand). Cytogenetic location: 1p36.12.
Variant type: single nucleotide variant.
Coding change: c.121C>T on transcript NM_001009999.3 (MANE Select); coding-DNA position 121, C replaced by T.
Protein change: p.Pro41Ser; replaces proline 41 with serine.
Molecular consequence: missense variant.
Genome position (GRCh38, 1-based): chr1:23,019,717, C>T. VCF-style: chr1-23019717-C-T. GRCh37 (hg19) VCF-style: chr1-23346210-C-T.
Other names: c.121C>T, p.Pro41Ser (NM_001363654.2, NM_001410762.1, NM_001410763.1 and 1 more transcripts); short protein forms P41S.
Identifiers: ClinVar variation 3863264 (VCV003863264.1).
Genomic context (GRCh38, chr1:23,019,717, plus strand): 5'-ACGGAGGCTGGCCCTGGGACAGCAGGCGGCTCCGAGAACGGGTCTGAGGTGGCCGCGCAG[C>T]CCGCGGGCCTGTCGGGCCCAGCCGAGGTCGGGCCGGGGGCGGTGGGGGAGCGCACACCCC-3'
Protein context (NP_001009999.1, residues 31-51): SENGSEVAAQ[Pro41Ser]AGLSGPAEVG